The following is an entry in ClinVar:

ClinVar aggregate classification (germline): Uncertain significance (1 of 4 stars; one submission).

Conditions:
Landau-Kleffner syndrome (FESD). Also called: APHASIA, ACQUIRED, WITH EPILEPSY; EPILEPSY, FOCAL, WITH SPEECH DISORDER AND WITH OR WITHOUT MENTAL RETARDATION. Identifiers: Orphanet 1945, Orphanet 725, Orphanet 98818, MedGen C0282512, MONDO:0009509, OMIM 245570.

gnomAD v4.1: 1 of 1,614,046 alleles (0.000062%); highest among the groups gnomAD compares: Non-Finnish European, 0.000085%; no homozygotes.

Submission:

Labcorp Genetics (formerly Invitae), Labcorp
Classification: Uncertain significance for Landau-Kleffner syndrome. Last evaluated: 2023-05-27. Review status: criteria provided, single submitter. Criteria: Invitae Variant Classification Sherloc (09022015). Collection method: clinical testing. Allele origin: germline.
Comment: This sequence change replaces threonine, which is neutral and polar, with asparagine, which is neutral and polar, at codon 1362 of the GRIN2A protein (p.Thr1362Asn). Advanced modeling of protein sequence and biophysical properties (such as structural, functional, and spatial information, amino acid conservation, physicochemical variation, residue mobility, and thermodynamic stability) performed at Invitae indicates that this missense variant is not expected to disrupt GRIN2A protein function. In summary, the available evidence is currently insufficient to determine the role of this variant in disease. Therefore, it has been classified as a Variant of Uncertain Significance. This variant is not present in population databases (gnomAD no frequency). This variant has not been reported in the literature in individuals affected with GRIN2A-related conditions.

NM_001134407.3(GRIN2A):c.4085C>A (p.Thr1362Asn)

Gene: GRIN2A (glutamate ionotropic receptor NMDA type subunit 2A; minus strand). Cytogenetic location: 16p13.2.
Variant type: single nucleotide variant.
Coding change: c.4085C>A on transcript NM_001134407.3 (MANE Select); coding-DNA position 4085, C replaced by A.
Protein change: p.Thr1362Asn; replaces threonine 1362 with asparagine.
Molecular consequence: missense variant. On other transcripts: intron variant (1).
Genome position (GRCh38, 1-based): chr16:9,763,459, G>T on the plus strand (C>A on the coding strand, the complement: GRIN2A is on the minus strand). VCF-style: chr16-9763459-G-T. GRCh37 (hg19) VCF-style: chr16-9857316-G-T.
Other names: c.4085C>A, p.Thr1362Asn (NM_000833.5); c.3773-31C>A (NM_001134408.2); short protein forms T1362N.
Identifiers: ClinVar variation 2734860 (VCV002734860.3), dbSNP rs1465067482, ClinGen allele CA394706134.